The following is an entry in ClinVar:

NM_025074.7(FRAS1):c.10076C>T (p.Pro3359Leu)

Gene: FRAS1 (Fraser extracellular matrix complex subunit 1; plus strand). Cytogenetic location: 4q21.21.
Variant type: single nucleotide variant.
Coding change: c.10076C>T on transcript NM_025074.7 (MANE Select); coding-DNA position 10076, C replaced by T.
Protein change: p.Pro3359Leu; replaces proline 3359 with leucine.
Molecular consequence: missense variant.
Genome position (GRCh38, 1-based): chr4:78,513,454, C>T. VCF-style: chr4-78513454-C-T. GRCh37 (hg19) VCF-style: chr4-79434608-C-T.
Other names: short protein forms P3359L.
Identifiers: ClinVar variation 4281974 (VCV004281974.2).

ClinVar aggregate classification (germline): Uncertain significance (1 of 4 stars; one submission).

gnomAD v4.1: 12 of 1,613,872 alleles (0.00074%); highest among the groups gnomAD compares: East Asian, 0.0067%; no homozygotes.

Submission:

GeneDx
Classification: Uncertain significance. Last evaluated: 2025-12-03. Review status: criteria provided, single submitter. Criteria: GeneDx Variant Classification Process June 2021. Collection method: clinical testing. Allele origin: germline.
Comment: In silico analysis supports that this missense variant has a deleterious effect on protein structure/function; Has been reported in a fetus with oligohydramnios, growth restriction, and bilateral renal agenesis with a nonsense variant the same allele (in cis), as well as frameshift variant on the opposite allele (in trans) (PMID: 32277492); This variant is associated with the following publications: (PMID: 32277492)